The following is an entry in ClinVar:

NM_000477.7(ALB):c.81C>A (p.His27Gln)

Gene: ALB (albumin; plus strand). Cytogenetic location: 4q13.3.
Variant type: single nucleotide variant.
Coding change: c.81C>A on transcript NM_000477.7 (MANE Select); coding-DNA position 81, C replaced by A.
Protein change: p.His27Gln; replaces histidine 27 with glutamine.
Molecular consequence: missense variant.
Genome position (GRCh38, 1-based): chr4:73,405,117, C>A. VCF-style: chr4-73405117-C-A. GRCh37 (hg19) VCF-style: chr4-74270834-C-A.
Other names: short protein forms H27Q.
Identifiers: ClinVar variation 2780805 (VCV002780805.3), dbSNP rs76285851, ClinGen allele CA99696945.

ClinVar aggregate classification (germline): Uncertain significance (1 of 4 stars; one submission).

Submission:

Labcorp Genetics (formerly Invitae), Labcorp
Classification: Uncertain significance. Last evaluated: 2023-05-23. Review status: criteria provided, single submitter. Criteria: Invitae Variant Classification Sherloc (09022015). Collection method: clinical testing. Allele origin: germline.
Comment: Algorithms developed to predict the effect of missense changes on protein structure and function output the following: SIFT: "Not Available"; PolyPhen-2: "Benign"; Align-GVGD: "Not Available". The glutamine amino acid residue is found in multiple mammalian species, which suggests that this missense change does not adversely affect protein function. This sequence change replaces histidine, which is basic and polar, with glutamine, which is neutral and polar, at codon 27 of the ALB protein (p.His27Gln). This variant is not present in population databases (gnomAD no frequency). This variant has not been reported in the literature in individuals affected with ALB-related conditions. This variant is also known as Nagasaki-3 or His3Gln. Experimental studies have shown that this missense change affects ALB function (PMID: 3478700). Algorithms developed to predict the effect of sequence changes on RNA splicing suggest that this variant may create or strengthen a splice site. In summary, the available evidence is currently insufficient to determine the role of this variant in disease. Therefore, it has been classified as a Variant of Uncertain Significance.

Literature cited by the submitters: PubMed 3478700.